The following is an entry in ClinVar:

NM_153717.3(EVC):c.2446C>T (p.Gln816Ter)

Gene: EVC (EvC ciliary complex subunit 1; plus strand). Cytogenetic location: 4p16.2.
Variant type: single nucleotide variant.
Coding change: c.2446C>T on transcript NM_153717.3 (MANE Select); coding-DNA position 2446, C replaced by T.
Protein change: p.Gln816Ter; replaces glutamine 816 with a stop codon.
Molecular consequence: nonsense.
Genome position (GRCh38, 1-based): chr4:5,802,091, C>T. VCF-style: chr4-5802091-C-T. GRCh37 (hg19) VCF-style: chr4-5803818-C-T.
Other names: c.2446C>T, p.Gln816Ter (NM_001306090.2); short protein forms Q816*.
Identifiers: ClinVar variation 835115 (VCV000835115.9), dbSNP rs374752679, ClinGen allele CA91720619.

ClinVar aggregate classification (germline): Pathogenic/Likely pathogenic. Review status: criteria provided, multiple submitters, no conflicts (2 of 4 stars). 2 submissions from 2 submitters: Pathogenic (1); Likely pathogenic (1). Last evaluated 2025-02-09.

Conditions:
Ellis-van Creveld syndrome (EVC). Also called: EVC-Related Ellis-van Creveld Syndrome; EVC2-Related Ellis-van Creveld Syndrome; MESOECTODERMAL DYSPLASIA; Chondroectodermal dysplasia. Identifiers: Orphanet 289, MedGen C0013903, MONDO:0009162, OMIM 225500.
Curry-Hall syndrome (WAD). Also called: WEYERS ACRODENTAL DYSOSTOSIS. Identifiers: Orphanet 952, MedGen C0457013, MONDO:0008673, OMIM 193530.

Allele frequency attached by ClinVar (database versions not stated): gnomAD exomes below 0.00001; gnomAD 0.00001; TOPMed 0.00001; ESP Exome Variant Server 0.00008.
gnomAD v4.1: 2 of 1,602,172 alleles (0.00012%); highest among the groups gnomAD compares: Non-Finnish European, 0.00017%; no homozygotes.

Submissions (2):

Labcorp Genetics (formerly Invitae), Labcorp
Classification: Pathogenic for Curry-Hall syndrome; Ellis-van Creveld syndrome. Last evaluated: 2025-02-09. Review status: criteria provided, single submitter. Criteria: Invitae Variant Classification Sherloc (09022015). Collection method: clinical testing. Allele origin: germline.
Comment: This sequence change creates a premature translational stop signal (p.Gln816*) in the EVC gene. It is expected to result in an absent or disrupted protein product. Loss-of-function variants in EVC are known to be pathogenic (PMID: 23220543). This variant is present in population databases (rs374752679, gnomAD 0.007%). This variant has not been reported in the literature in individuals affected with EVC-related conditions. ClinVar contains an entry for this variant (Variation ID: 835115). For these reasons, this variant has been classified as Pathogenic.

Natera, Inc.
Classification: Likely pathogenic for Ellis-van Creveld syndrome. Last evaluated: 2024-07-08. Review status: criteria provided, single submitter. Criteria: Natera Variant Classification Schema (03/2026). Collection method: clinical testing. Allele origin: germline.
Comment: The c.2446C>T variant in EVC is a nonsense variant predicted to introduce a stop codon at amino acid 816. This variant is expected to result in nonsense mediated decay, truncation, or a dysfunctional protein product. This variant is rare in the general population with a frequency below the threshold expected for the associated phenotype(s). Given the available evidence, this variant is classified as Likely Pathogenic.

Literature cited by the submitters: PubMed 23220543 (cited by Labcorp Genetics (formerly Invitae), Labcorp).